The following is an entry in ClinVar:

ClinVar aggregate classification (germline): Pathogenic (1 of 4 stars; one submission).

Conditions:
Fetal anomalies with a likely genetic cause.

gnomAD v4.1: 67 of 1,613,948 alleles (0.0042%); highest among the groups gnomAD compares: Non-Finnish European, 0.0054%; no homozygotes.

Submission:

Genetics Laboratory, Great Ormond Street Hospital NHS Foundation Trust, North Thames Genomic Laboratory Hub
Classification: Pathogenic for Fetal anomalies with a likely genetic cause. Last evaluated: 2026-03-27. Review status: criteria provided, single submitter. Criteria: ACGS Best Practice Guidelines for Variant Classification in Rare Disease 2024 v1.2. Collection method: clinical testing. Allele origin: germline. Affected: yes.
Comment: PM2_moderate, PVS1_very-strong

NM_024513.4(FYCO1):c.706C>T (p.Arg236Ter)

Gene: FYCO1 (FYVE and coiled-coil domain autophagy adaptor 1; minus strand). Cytogenetic location: 3p21.31.
Variant type: single nucleotide variant.
Coding change: c.706C>T on transcript NM_024513.4 (MANE Select); coding-DNA position 706, C replaced by T.
Protein change: p.Arg236Ter; replaces arginine 236 with a stop codon.
Molecular consequence: nonsense. On other transcripts: non-coding transcript variant (1).
Genome position (GRCh38, 1-based): chr3:45,968,628, G>A on the plus strand (C>T on the coding strand, the complement: FYCO1 is on the minus strand). VCF-style: chr3-45968628-G-A. GRCh37 (hg19) VCF-style: chr3-46010120-G-A.
Other names: c.706C>T, p.Arg236Ter (NM_001386421.1, NM_001386422.1, NM_001386423.1 and 4 more transcripts); c.586C>T, p.Arg196Ter (NM_001386426.1); c.562C>T, p.Arg188Ter (NM_001386427.1); c.106C>T, p.Arg36Ter (NM_001386430.1); short protein forms R188*, R196*, R236*, R36*.
Identifiers: ClinVar variation 4851400 (VCV004851400.1).
Genomic context (GRCh38, chr3:45,968,628, plus strand): 5'-GCTGCTGCATGCGCTCCCGTAGCTGCTTCTCCCGCACCTCCAACTGGTCCAGCTCTAGTC[G>A]CATCTCATCAAAGCCCTCCAATGCCTCGTTGTTTAGGGGGCTGTTCAGGTCAAAGTTGGA-3'